The following is an entry in ClinVar:

NM_001349.4(DARS1):c.570A>G (p.Ser190=)

Gene: DARS1 (aspartyl-tRNA synthetase 1; minus strand). Cytogenetic location: 2q21.3.
Variant type: single nucleotide variant.
Coding change: c.570A>G on transcript NM_001349.4 (MANE Select); coding-DNA position 570, A replaced by G.
Protein change: p.Ser190=; no amino-acid change (serine 190 retained).
Molecular consequence: synonymous variant.
Genome position (GRCh38, 1-based): chr2:135,924,493, T>C on the plus strand (A>G on the coding strand, the complement: DARS1 is on the minus strand). VCF-style: chr2-135924493-T-C. GRCh37 (hg19) VCF-style: chr2-136682063-T-C.
Other names: c.270A>G, p.Ser90= (NM_001293312.1).
Identifiers: ClinVar variation 382474 (VCV000382474.5), dbSNP rs765566198, ClinGen allele CA1889740.

ClinVar aggregate classification (germline): Likely benign. Review status: criteria provided, multiple submitters, no conflicts (2 of 4 stars). 2 submissions from 2 submitters: Likely benign (2). Last evaluated 2025-08-27.

Allele frequency attached by ClinVar (database versions not stated): ExAC 0.00001; gnomAD exomes 0.00001; TOPMed 0.00001.
gnomAD v4.1: 7 of 1,605,446 alleles (0.00044%); highest among the groups gnomAD compares: Admixed American, 0.0035%; no homozygotes.

Submissions (2):

Labcorp Genetics (formerly Invitae), Labcorp
Classification: Likely benign. Last evaluated: 2025-08-27. Review status: criteria provided, single submitter. Criteria: Invitae Variant Classification Sherloc (09022015). Collection method: clinical testing. Allele origin: germline.

GeneDx
Classification: Likely benign. Last evaluated: 2016-01-21. Review status: criteria provided, single submitter. Criteria: GeneDx Variant Classification (06012015). Collection method: clinical testing. Allele origin: germline. Affected: yes.
Comment: This variant is considered likely benign or benign based on one or more of the following criteria: it is a conservative change, it occurs at a poorly conserved position in the protein, it is predicted to be benign by multiple in silico algorithms, and/or has population frequency not consistent with disease.